The following is an entry in ClinVar:

ClinVar aggregate classification (germline): Uncertain significance (1 of 4 stars; one submission).

gnomAD v4.1: 1 of 1,614,270 alleles (0.000062%); no homozygotes.

Submission:

GeneDx
Classification: Uncertain significance. Last evaluated: 2022-04-26. Review status: criteria provided, single submitter. Criteria: GeneDx Variant Classification Process June 2021. Collection method: clinical testing. Allele origin: germline. Affected: yes.
Comment: Not observed at significant frequency in large population cohorts (gnomAD); In silico analysis supports that this missense variant has a deleterious effect on protein structure/function; Has not been previously published as pathogenic or benign to our knowledge

NM_021830.5(TWNK):c.181C>T (p.Arg61Cys)

Gene: TWNK (twinkle mtDNA helicase; plus strand). Cytogenetic location: 10q24.31.
Variant type: single nucleotide variant.
Coding change: c.181C>T on transcript NM_021830.5 (MANE Select); coding-DNA position 181, C replaced by T.
Protein change: p.Arg61Cys; replaces arginine 61 with cysteine.
Molecular consequence: missense variant. On other transcripts: non-coding transcript variant (4), intron variant (3).
Genome position (GRCh38, 1-based): chr10:100,988,391, C>T. VCF-style: chr10-100988391-C-T. GRCh37 (hg19) VCF-style: chr10-102748148-C-T.
Other names: c.181C>T, p.Arg61Cys (NM_001163812.2); c.-120+778C>T (NM_001163814.2, NM_001163813.2); c.-58+778C>T (NM_001368275.1); short protein forms R61C.
Identifiers: ClinVar variation 1712661 (VCV001712661.2), dbSNP rs2493626396, ClinGen allele CA378206261.